The following is an entry in ClinVar:

NM_000701.8(ATP1A1):c.10G>C (p.Gly4Arg)

Gene: ATP1A1 (ATPase Na+/K+ transporting subunit alpha 1; plus strand). Cytogenetic location: 1p13.1.
Variant type: single nucleotide variant.
Coding change: c.10G>C on transcript NM_000701.8 (MANE Select); coding-DNA position 10, G replaced by C.
Protein change: p.Gly4Arg; replaces glycine 4 with arginine.
Molecular consequence: missense variant.
Genome position (GRCh38, 1-based): chr1:116,373,521, G>C. VCF-style: chr1-116373521-G-C. GRCh37 (hg19) VCF-style: chr1-116916143-G-C.
Other names: short protein forms G4R.
Identifiers: ClinVar variation 1931397 (VCV001931397.5), dbSNP rs1307008508, ClinGen allele CA341838785.

ClinVar aggregate classification (germline): Uncertain significance (1 of 4 stars; one submission).

Allele frequency attached by ClinVar (database versions not stated): gnomAD 0.00001; TOPMed 0.00001.
gnomAD v4.1: 8 of 1,476,976 alleles (0.00054%); highest among the groups gnomAD compares: African/African-American, 0.0015%; no homozygotes.

Submission:

Labcorp Genetics (formerly Invitae), Labcorp
Classification: Uncertain significance. Last evaluated: 2022-05-28. Review status: criteria provided, single submitter. Criteria: Invitae Variant Classification Sherloc (09022015). Collection method: clinical testing. Allele origin: germline.
Comment: This sequence change replaces glycine, which is neutral and non-polar, with arginine, which is basic and polar, at codon 4 of the ATP1A1 protein (p.Gly4Arg). This variant is not present in population databases (gnomAD no frequency). This variant has not been reported in the literature in individuals affected with ATP1A1-related conditions. Algorithms developed to predict the effect of missense changes on protein structure and function are either unavailable or do not agree on the potential impact of this missense change (SIFT: "Deleterious"; PolyPhen-2: "Benign"; Align-GVGD: "Class C0"). In summary, the available evidence is currently insufficient to determine the role of this variant in disease. Therefore, it has been classified as a Variant of Uncertain Significance.